The following is an entry in ClinVar:

ClinVar aggregate classification (germline): Uncertain significance (1 of 4 stars; one submission).

Conditions:
Oocyte/zygote/embryo maturation arrest 16. Also called: Preimplantation embryonic lethality 2. Identifiers: MedGen C4310659, MONDO:1010200, OMIM 617234.

gnomAD v4.1: 13 of 1,613,738 alleles (0.00081%); highest among the groups gnomAD compares: Non-Finnish European, 0.0011%; no homozygotes.

Submission:

Juno Genomics, Hangzhou Juno Genomics, Inc
Classification: Uncertain significance for Oocyte/zygote/embryo maturation arrest 16. Review status: criteria provided, single submitter. Criteria: ACMG Guidelines, 2015. Collection method: clinical testing. Allele origin: germline. Affected: yes.
Comment: Absent from controls (or at extremely low frequency if recessive) in Genome Aggregation Database, Exome Sequencing Project, 1000 Genomes Project, or Exome Aggregation Consortium.;For recessive disorders, detected in trans with a pathogenic variant.;Patient's phenotype or family history is highly specific for a disease with a single genetic etiology.

NM_207421.4(PADI6):c.1403C>T (p.Pro468Leu)

Gene: PADI6 (peptidyl arginine deiminase 6; plus strand). Cytogenetic location: 1p36.13.
Variant type: single nucleotide variant.
Coding change: c.1403C>T on transcript NM_207421.4 (MANE Select); coding-DNA position 1403, C replaced by T.
Protein change: p.Pro468Leu; replaces proline 468 with leucine.
Molecular consequence: missense variant.
Genome position (GRCh38, 1-based): chr1:17,395,016, C>T. VCF-style: chr1-17395016-C-T. GRCh37 (hg19) VCF-style: chr1-17721512-C-T.
Other names: short protein forms P468L.
Identifiers: ClinVar variation 4796587 (VCV004796587.1).
Genomic context (GRCh38, chr1:17,395,016, plus strand): 5'-AGGGCCGGGCCATGAGTAAGACCCTCCGAGACTTCCTCTATGCCCAGCAGGTCCAAGCGC[C>T]GGTGGAGCTCTACTCAGATTGGCTAATGACTGGCCACGTGGATGAGTTCATGTGCTTCAT-3'
Protein context (NP_997304.3, residues 458-478): DFLYAQQVQA[Pro468Leu]VELYSDWLMT